The following is an entry in ClinVar:

ClinVar aggregate classification (germline): Likely benign (0 of 4 stars; one submission).

Conditions:
CA5A-related disorder. Also called: CA5A-related condition.

Allele frequency attached by ClinVar (database versions not stated): 1000 Genomes Project 0.00040; gnomAD exomes 0.00042; 1000 Genomes Project 30x 0.00047; ExAC 0.00048; gnomAD 0.00065; ESP Exome Variant Server 0.00077; TOPMed 0.00108.
gnomAD v4.1: 718 of 1,592,760 alleles (0.045%); highest among the groups gnomAD compares: Admixed American, 0.15%; 1 homozygote.

Submission:

PreventionGenetics, part of Exact Sciences
Classification: Likely benign for CA5A-related condition. Last evaluated: 2019-11-25. Review status: no assertion criteria provided. Collection method: clinical testing. Allele origin: germline.
Comment: This variant is classified as likely benign based on ACMG/AMP sequence variant interpretation guidelines (Richards et al. 2015 PMID: 25741868, with internal and published modifications).

NM_001739.2(CA5A):c.*10G>A

Gene: CA5A (carbonic anhydrase 5A; minus strand). Cytogenetic location: 16q24.2.
Variant type: single nucleotide variant.
Coding change: c.*10G>A on transcript NM_001739.2 (MANE Select); 10 bases downstream of the stop codon, G replaced by A.
Molecular consequence: 3 prime UTR variant. On other transcripts: non-coding transcript variant (2), intron variant (1).
Genome position (GRCh38, 1-based): chr16:87,888,119, C>T on the plus strand (G>A on the coding strand, the complement: CA5A is on the minus strand). VCF-style: chr16-87888119-C-T. GRCh37 (hg19) VCF-style: chr16-87921725-C-T.
Other names: c.774+3680G>A (NM_001367225.1).
Identifiers: ClinVar variation 3033707 (VCV003033707.2), dbSNP rs201680949, ClinGen allele CA8223217.
Genomic context (GRCh38, chr16:87,888,119, plus strand): 5'-TTGTGAAACTTGGGAAACAACGCTTCCTTCCTTCAAAGTCAGTTCTGCTATTCATGTGGA[C>T]CTAATGTCTCTAGGACCTTGTGCCCTCATTAGTGGCCTGGAAGGACGCCCAGACCTTCCG-3'